The following is an entry in ClinVar:

ClinVar aggregate classification (germline): Uncertain significance (1 of 4 stars; one submission).

Conditions:
Familial adenomatous polyposis 1 (FAP1). Also called: FAMILIAL ADENOMATOUS POLYPOSIS 1, ATTENUATED; POLYPOSIS, ADENOMATOUS INTESTINAL. Identifiers: MedGen C2713442, MONDO:0021056, OMIM 175100. Disease mechanism: loss of function.

Submission:

Labcorp Genetics (formerly Invitae), Labcorp
Classification: Uncertain significance for Familial adenomatous polyposis 1. Last evaluated: 2022-07-12. Review status: criteria provided, single submitter. Criteria: Invitae Variant Classification Sherloc (09022015). Collection method: clinical testing. Allele origin: germline.
Comment: This sequence change replaces glutamic acid, which is acidic and polar, with valine, which is neutral and non-polar, at codon 1151 of the APC protein (p.Glu1151Val). This variant is not present in population databases (gnomAD no frequency). This variant has not been reported in the literature in individuals affected with APC-related conditions. Algorithms developed to predict the effect of missense changes on protein structure and function are either unavailable or do not agree on the potential impact of this missense change (SIFT: "Deleterious"; PolyPhen-2: "Possibly Damaging"; Align-GVGD: "Class C0"). In summary, the available evidence is currently insufficient to determine the role of this variant in disease. Therefore, it has been classified as a Variant of Uncertain Significance.

NM_000038.6(APC):c.3452A>T (p.Glu1151Val)

Gene: APC (APC regulator of Wnt signaling pathway; plus strand). Cytogenetic location: 5q22.2.
Variant type: single nucleotide variant.
Coding change: c.3452A>T on transcript NM_000038.6 (MANE Select); coding-DNA position 3452, A replaced by T.
Protein change: p.Glu1151Val; replaces glutamic acid 1151 with valine.
Molecular consequence: missense variant.
Genome position (GRCh38, 1-based): chr5:112,839,046, A>T. VCF-style: chr5-112839046-A-T. GRCh37 (hg19) VCF-style: chr5-112174743-A-T.
Other names: c.3452A>T, p.Glu1151Val (NM_001127510.3, NM_001354895.2, NM_001407450.1); c.3398A>T, p.Glu1133Val (NM_001127511.3); c.3506A>T, p.Glu1169Val (NM_001354896.2, NM_001407447.1, NM_001407448.1 and 1 more transcripts); c.3482A>T, p.Glu1161Val (NM_001354897.2); c.3377A>T, p.Glu1126Val (NM_001354898.2); c.3368A>T, p.Glu1123Val (NM_001354899.2); c.3329A>T, p.Glu1110Val (NM_001354900.2); c.3275A>T, p.Glu1092Val (NM_001354901.2, NM_001407453.1); and 11 more; short protein forms E1060V, E1110V, E1126V, E1144V, E1179V, E1133V, E1169V, E767V.
Identifiers: ClinVar variation 2016379 (VCV002016379.4), dbSNP rs2149892227, ClinGen allele CA16028904.